The following is an entry in ClinVar:

NM_001244008.2(KIF1A):c.1341G>A (p.Lys447=)

Gene: KIF1A (kinesin family member 1A; minus strand). Cytogenetic location: 2q37.3.
Variant type: single nucleotide variant.
Coding change: c.1341G>A on transcript NM_001244008.2 (MANE Select); coding-DNA position 1341, G replaced by A.
Protein change: p.Lys447=; no amino-acid change (lysine 447 retained).
Molecular consequence: synonymous variant.
Genome position (GRCh38, 1-based): chr2:240,770,971, C>T on the plus strand (G>A on the coding strand, the complement: KIF1A is on the minus strand). VCF-style: chr2-240770971-C-T. GRCh37 (hg19) VCF-style: chr2-241710388-C-T.
Other names: c.1341G>A, p.Lys447= (NM_001320705.2, NM_001330289.2, NM_001379638.1); c.1416G>A, p.Lys472= (NM_001330290.2, NM_001379631.1, NM_001379634.1 and 2 more transcripts); c.1314G>A, p.Lys438= (NM_001379632.1, NM_001379633.1, NM_001379636.1 and 11 more transcripts); c.1389G>A, p.Lys463= (NM_001379637.1, NM_001379648.1).
Identifiers: ClinVar variation 2929232 (VCV002929232.3), dbSNP rs774199437, ClinGen allele CA2208447.

ClinVar aggregate classification (germline): Uncertain significance (1 of 4 stars; one submission).

Conditions:
Neuropathy, hereditary sensory, type 2C. Also called: Hereditary sensory and autonomic neuropathy type IIC; KIF1A-Related HSAN2 (HSAN2C). Identifiers: Orphanet 970, MedGen C3280168, MONDO:0013634, OMIM 614213.
Hereditary spastic paraplegia 30. Identifiers: Orphanet 101010, MedGen C5235139, MONDO:0012476.
Intellectual disability, autosomal dominant 9 (NESCAVS). Also called: NESCAV SYNDROME; KIF1A-Related Neurodevelopmental Disorder. Identifiers: Orphanet 662367, MedGen C5393830, MONDO:0013656, OMIM 614255.

Allele frequency attached by ClinVar (database versions not stated): ExAC 0.00001.

Submission:

Labcorp Genetics (formerly Invitae), Labcorp
Classification: Uncertain significance for Hereditary spastic paraplegia 30; Neuropathy, hereditary sensory, type 2C; Intellectual disability, autosomal dominant 9. Last evaluated: 2023-08-23. Review status: criteria provided, single submitter. Criteria: Invitae Variant Classification Sherloc (09022015). Collection method: clinical testing. Allele origin: germline.
Comment: In summary, the available evidence is currently insufficient to determine the role of this variant in disease. Therefore, it has been classified as a Variant of Uncertain Significance. Variants that disrupt the consensus splice site are a relatively common cause of aberrant splicing (PMID: 17576681, 9536098). Algorithms developed to predict the effect of sequence changes on RNA splicing suggest that this variant may disrupt the consensus splice site. This variant has not been reported in the literature in individuals affected with KIF1A-related conditions. This variant is present in population databases (rs774199437, gnomAD 0.006%). This sequence change affects codon 438 of the KIF1A mRNA. It is a 'silent' change, meaning that it does not change the encoded amino acid sequence of the KIF1A protein. This variant also falls at the last nucleotide of exon 13, which is part of the consensus splice site for this exon.

Literature cited by the submitters: PubMed 17576681; PubMed 9536098.